The following is an entry in ClinVar:

ClinVar aggregate classification (germline): Benign/Likely benign. Review status: criteria provided, multiple submitters, no conflicts (2 of 4 stars). 8 submissions from 8 submitters: Benign (4); Likely benign (4). Last evaluated 2026-01-20.

Conditions:
Microcephaly 5, primary, autosomal recessive (MCPH5). Also called: ASPM Primary Microcephaly. Identifiers: Orphanet 2512, MedGen C1837501, MONDO:0012106, OMIM 608716.

Allele frequency attached by ClinVar (database versions not stated): gnomAD exomes 0.00140 and 0.00311; ExAC 0.00333; gnomAD 0.00907 and 0.00953; 1000 Genomes Project 30x 0.00937; 1000 Genomes Project 0.00978; TOPMed 0.00989; ESP Exome Variant Server 0.01054.
gnomAD v4.1: 3,584 of 1,611,236 alleles (0.22%); highest among the groups gnomAD compares: African/African-American, 2.9%; 36 homozygotes.

Submissions (8):

Labcorp Genetics (formerly Invitae), Labcorp
Classification: Benign. Last evaluated: 2026-01-20. Review status: criteria provided, single submitter. Criteria: Invitae Variant Classification Sherloc (09022015). Collection method: clinical testing. Allele origin: germline.

Athena Diagnostics
Classification: Benign. Last evaluated: 2024-09-30. Review status: criteria provided, single submitter. Criteria: Athena Diagnostics Criteria. Collection method: clinical testing. Allele origin: unknown.

Genome-Nilou Lab
Classification: Benign for Microcephaly 5, primary, autosomal recessive. Last evaluated: 2023-04-11. Review status: criteria provided, single submitter. Criteria: ACMG Guidelines, 2015. Collection method: clinical testing. Allele origin: germline. Affected: no.

Fulgent Genetics
Classification: Likely benign for Microcephaly 5, primary, autosomal recessive. Last evaluated: 2022-01-24. Review status: criteria provided, single submitter. Criteria: ACMG Guidelines, 2015. Collection method: clinical testing. Allele origin: unknown.

Illumina Laboratory Services, Illumina
Classification: Likely benign for Microcephaly 5, primary, autosomal recessive. Last evaluated: 2018-01-12. Review status: criteria provided, single submitter. Criteria: ICSL Variant Classification Criteria 13 December 2019. Collection method: clinical testing. Allele origin: germline.
Comment: This variant was observed in the ICSL laboratory as part of a predisposition screen in an ostensibly healthy population. It had not been previously curated by ICSL or reported in the Human Gene Mutation Database (HGMD: prior to June 1st, 2018), and was therefore a candidate for classification through an automated scoring system. Utilizing variant allele frequency, disease prevalence and penetrance estimates, and inheritance mode, an automated score was calculated to assess if this variant is too frequent to cause the disease. Based on the score and internal cut-off values, a variant classified as likely benign is not then subjected to further curation. The score for this variant resulted in a classification of likely benign for this disease.

GeneDx
Classification: Benign. Last evaluated: 2016-03-09. Review status: criteria provided, single submitter. Criteria: GeneDx Variant Classification (06012015). Collection method: clinical testing. Allele origin: germline. Affected: yes.
Comment: This variant is considered likely benign or benign based on one or more of the following criteria: it is a conservative change, it occurs at a poorly conserved position in the protein, it is predicted to be benign by multiple in silico algorithms, and/or has population frequency not consistent with disease.

Genetic Services Laboratory, University of Chicago
Classification: Likely benign. Last evaluated: 2013-02-18. Review status: criteria provided, single submitter. Criteria: ACMG Guidelines, 2007. Collection method: clinical testing. Allele origin: germline. Inheritance: Autosomal recessive inheritance.
Comment: Likely benign based on allele frequency in 1000 Genomes Project or ESP global frequency and its presence in a patient with a rare or unrelated disease phenotype. NOT Sanger confirmed

Breakthrough Genomics
Classification: Likely benign. Review status: criteria provided, single submitter. Criteria: ACMG Guidelines, 2015. Collection method: not provided. Allele origin: germline. Inheritance: Autosomal recessive inheritance. Affected: yes.

NM_018136.5(ASPM):c.7917A>G (p.Lys2639=)

Gene: ASPM (assembly factor for spindle microtubules; minus strand). Cytogenetic location: 1q31.3.
Variant type: single nucleotide variant.
Coding change: c.7917A>G on transcript NM_018136.5 (MANE Select); coding-DNA position 7917, A replaced by G.
Protein change: p.Lys2639=; no amino-acid change (lysine 2639 retained).
Molecular consequence: synonymous variant. On other transcripts: intron variant (1).
Genome position (GRCh38, 1-based): chr1:197,101,334, T>C on the plus strand (A>G on the coding strand, the complement: ASPM is on the minus strand). VCF-style: chr1-197101334-T-C. GRCh37 (hg19) VCF-style: chr1-197070464-T-C.
Other names: c.4066-5170A>G (NM_001206846.2).
Identifiers: ClinVar variation 157883 (VCV000157883.23), dbSNP rs112647911, ClinGen allele CA171265.